The following is an entry in ClinVar:

NM_002439.5(MSH3):c.434C>T (p.Ala145Val)

Gene: MSH3 (mutS homolog 3; plus strand). Cytogenetic location: 5q14.1.
Variant type: single nucleotide variant.
Coding change: c.434C>T on transcript NM_002439.5 (MANE Select); coding-DNA position 434, C replaced by T.
Protein change: p.Ala145Val; replaces alanine 145 with valine.
Molecular consequence: missense variant.
Genome position (GRCh38, 1-based): chr5:80,665,218, C>T. VCF-style: chr5-80665218-C-T. GRCh37 (hg19) VCF-style: chr5-79961037-C-T.
Other names: c.434C>T (NM_002439.3); short protein forms A145V.
Identifiers: ClinVar variation 944251 (VCV000944251.10), dbSNP rs771284065, ClinGen allele CA121290961.

ClinVar aggregate classification (germline): Uncertain significance. Review status: criteria provided, multiple submitters, no conflicts (2 of 4 stars). 2 submissions from 2 submitters: Uncertain significance (2). Last evaluated 2025-05-21.

Conditions:
Hereditary cancer-predisposing syndrome. Also called: Neoplastic Syndromes, Hereditary; Hereditary Cancer Syndrome; Tumor predisposition; Hereditary neoplastic syndrome. Identifiers: Orphanet 140162, MedGen C0027672, MeSH D009386, MONDO:0015356.

Allele frequency attached by ClinVar (database versions not stated): gnomAD exomes below 0.00001; TOPMed below 0.00001.
gnomAD v4.1: 3 of 1,614,086 alleles (0.00019%); highest among the groups gnomAD compares: Non-Finnish European, 0.00025%; no homozygotes.

Submissions (2):

Labcorp Genetics (formerly Invitae), Labcorp
Classification: Uncertain significance. Last evaluated: 2025-05-21. Review status: criteria provided, single submitter. Criteria: Invitae Variant Classification Sherloc (09022015). Collection method: clinical testing. Allele origin: germline.
Comment: This sequence change replaces alanine, which is neutral and non-polar, with valine, which is neutral and non-polar, at codon 145 of the MSH3 protein (p.Ala145Val). This variant is not present in population databases (gnomAD no frequency). This variant has not been reported in the literature in individuals affected with MSH3-related conditions. ClinVar contains an entry for this variant (Variation ID: 944251). An algorithm developed to predict the effect of missense changes on protein structure and function (PolyPhen-2) suggests that this variant is likely to be disruptive. In summary, the available evidence is currently insufficient to determine the role of this variant in disease. Therefore, it has been classified as a Variant of Uncertain Significance.

Ambry Genetics
Classification: Uncertain significance for Hereditary cancer-predisposing syndrome. Last evaluated: 2025-03-16. Review status: criteria provided, single submitter. Criteria: Ambry Variant Classification Scheme 2023. Collection method: clinical testing. Allele origin: germline.
Comment: The p.A145V variant (also known as c.434C>T), located in coding exon 3 of the MSH3 gene, results from a C to T substitution at nucleotide position 434. The alanine at codon 145 is replaced by valine, an amino acid with similar properties. This amino acid position is conserved. In addition, the in silico prediction for this alteration is inconclusive. Based on the available evidence, the clinical significance of this variant remains unclear.